The following is an entry in ClinVar:

NM_000256.3(MYBPC3):c.2434A>G (p.Lys812Glu)

Gene: MYBPC3 (myosin binding protein C3; minus strand). Cytogenetic location: 11p11.2.
Variant type: single nucleotide variant.
Coding change: c.2434A>G on transcript NM_000256.3 (MANE Select); coding-DNA position 2434, A replaced by G.
Protein change: p.Lys812Glu; replaces lysine 812 with glutamic acid.
Molecular consequence: missense variant.
Genome position (GRCh38, 1-based): chr11:47,337,559, T>C on the plus strand (A>G on the coding strand, the complement: MYBPC3 is on the minus strand). VCF-style: chr11-47337559-T-C. GRCh37 (hg19) VCF-style: chr11-47359110-T-C.
Other names: short protein forms K812E.
Identifiers: ClinVar variation 1791203 (VCV001791203.2), dbSNP rs1443720240, ClinGen allele CA380318473.

ClinVar aggregate classification (germline): Uncertain significance (1 of 4 stars; one submission).

Conditions:
Cardiovascular phenotype. Identifiers: MedGen CN230736.

Allele frequency attached by ClinVar (database versions not stated): gnomAD exomes below 0.00001; gnomAD 0.00001.
gnomAD v4.1: 2 of 1,613,830 alleles (0.00012%); no homozygotes.

Submission:

Ambry Genetics
Classification: Uncertain significance for Cardiovascular phenotype. Last evaluated: 2020-03-17. Review status: criteria provided, single submitter. Criteria: Ambry Variant Classification Scheme 2023. Collection method: clinical testing. Allele origin: germline.
Comment: The p.K812E variant (also known as c.2434A>G), located in coding exon 25 of the MYBPC3 gene, results from an A to G substitution at nucleotide position 2434. The lysine at codon 812 is replaced by glutamic acid, an amino acid with similar properties. An alternate amino acid substitution at this codon, p.K812N, was reported in one individual from a hypertrophic cardiomyopathy testing cohort; however, clinical details were limited (Walsh R et al. Genet. Med., 2017 02;19:192-203). This amino acid position is highly conserved in available vertebrate species. In addition, the in silico prediction for this alteration is inconclusive. Since supporting evidence is limited at this time, the clinical significance of this alteration remains unclear.